The following is an entry in ClinVar:

NM_004055.5(CAPN5):c.525G>C (p.Gln175His)

Gene: CAPN5 (calpain 5; plus strand). Cytogenetic location: 11q13.5.
Variant type: single nucleotide variant.
Coding change: c.525G>C on transcript NM_004055.5 (MANE Select); coding-DNA position 525, G replaced by C.
Protein change: p.Gln175His; replaces glutamine 175 with histidine.
Molecular consequence: missense variant.
Genome position (GRCh38, 1-based): chr11:77,114,260, G>C. VCF-style: chr11-77114260-G-C. GRCh37 (hg19) VCF-style: chr11-76825306-G-C.
Other names: c.645G>C, p.Gln215His (NM_001425321.1); c.525G>C, p.Gln175His (NM_001425322.1); c.393G>C, p.Gln131His (NM_001425323.1); short protein forms Q175H, Q215H, Q131H.
Identifiers: ClinVar variation 2839003 (VCV002839003.3), dbSNP rs782235686, ClinGen allele CA6196468.
Genomic context (GRCh38, chr11:77,114,260, plus strand): 5'-TGGGGAGCATGAGCTGGGAAGTCTTTCCACATTGCTTCCCAGACTGGCAGGCTGTTACCA[G>C]GCCCTGGATGGAGGCAACACAGCAGACGCACTGGTGGACTTCACGGGTGGTGTTTCTGAG-3'
Protein context (NP_004046.2, residues 165-185): KAYAKLAGCY[Gln175His]ALDGGNTADA

ClinVar aggregate classification (germline): Uncertain significance (1 of 4 stars; one submission).

Allele frequency attached by ClinVar (database versions not stated): gnomAD exomes below 0.00001; ExAC 0.00001.
gnomAD v4.1: 1 of 1,614,156 alleles (0.000062%); highest among the groups gnomAD compares: Non-Finnish European, 0.000085%; no homozygotes.

Submission:

Labcorp Genetics (formerly Invitae), Labcorp
Classification: Uncertain significance. Last evaluated: 2023-02-19. Review status: criteria provided, single submitter. Criteria: Invitae Variant Classification Sherloc (09022015). Collection method: clinical testing. Allele origin: germline.
Comment: This variant is not present in population databases (gnomAD no frequency). In summary, the available evidence is currently insufficient to determine the role of this variant in disease. Therefore, it has been classified as a Variant of Uncertain Significance. Advanced modeling of protein sequence and biophysical properties (such as structural, functional, and spatial information, amino acid conservation, physicochemical variation, residue mobility, and thermodynamic stability) performed at Invitae indicates that this missense variant is not expected to disrupt CAPN5 protein function. This variant has not been reported in the literature in individuals affected with CAPN5-related conditions. This sequence change replaces glutamine, which is neutral and polar, with histidine, which is basic and polar, at codon 175 of the CAPN5 protein (p.Gln175His).